The following is an entry in ClinVar:

NM_006254.4(PRKCD):c.417C>G (p.Phe139Leu)

Gene: PRKCD (protein kinase C delta; plus strand). Cytogenetic location: 3p21.1.
Variant type: single nucleotide variant.
Coding change: c.417C>G on transcript NM_006254.4 (MANE Select); coding-DNA position 417, C replaced by G.
Protein change: p.Phe139Leu; replaces phenylalanine 139 with leucine.
Molecular consequence: missense variant.
Genome position (GRCh38, 1-based): chr3:53,181,484, C>G. VCF-style: chr3-53181484-C-G. GRCh37 (hg19) VCF-style: chr3-53215500-C-G.
Other names: c.417C>G, p.Phe139Leu (LRG_1327t1, NM_001316327.2, NM_001354679.2 and 2 more transcripts); c.474C>G, p.Phe158Leu (NM_001354676.2); c.465C>G, p.Phe155Leu (NM_001354678.2); short protein forms F155L, F139L, F158L.
Identifiers: ClinVar variation 659142 (VCV000659142.7), dbSNP rs56208295, ClinGen allele CA353233977.

ClinVar aggregate classification (germline): Uncertain significance (1 of 4 stars; one submission).

Conditions:
Autoimmune lymphoproliferative syndrome, type III caused by mutation in PRKCD. Identifiers: Orphanet 3261, Orphanet 664711, MedGen C3809928, MONDO:8000024, OMIM 615559.

Submission:

Labcorp Genetics (formerly Invitae), Labcorp
Classification: Uncertain significance for Autoimmune lymphoproliferative syndrome, type III caused by mutation in PRKCD. Last evaluated: 2019-11-29. Review status: criteria provided, single submitter. Criteria: Invitae Variant Classification Sherloc (09022015). Collection method: clinical testing. Allele origin: germline.
Comment: In summary, the available evidence is currently insufficient to determine the role of this variant in disease. Therefore, it has been classified as a Variant of Uncertain Significance. Algorithms developed to predict the effect of missense changes on protein structure and function output the following: SIFT: "Tolerated"; PolyPhen-2: "Benign"; Align-GVGD: "Class C0". The leucine amino acid residue is found in multiple mammalian species, suggesting that this missense change does not adversely affect protein function. These predictions have not been confirmed by published functional studies and their clinical significance is uncertain. This variant has not been reported in the literature in individuals with PRKCD-related disease. This variant is not present in population databases (ExAC no frequency). This sequence change replaces phenylalanine with leucine at codon 139 of the PRKCD protein (p.Phe139Leu). The phenylalanine residue is weakly conserved and there is a small physicochemical difference between phenylalanine and leucine.